The following is an entry in ClinVar:

ClinVar aggregate classification (germline): Uncertain significance (1 of 4 stars; one submission).

Conditions:
Retinitis pigmentosa 20 (RP20). Identifiers: Orphanet 791, MedGen C3151086, MONDO:0013425, OMIM 613794.
Leber congenital amaurosis 2 (LCA2). Also called: AMAUROSIS CONGENITA OF LEBER II; Autosomal Recessive RPE65-Related Retinal Degeneration. Identifiers: Orphanet 65, MedGen C1859844, MONDO:0008765, OMIM 204100. Disease mechanism: loss of function.

Allele frequency attached by ClinVar (database versions not stated): ExAC 0.00001; gnomAD 0.00001; TOPMed 0.00001.
gnomAD v4.1: 12 of 1,613,916 alleles (0.00074%); highest among the groups gnomAD compares: Admixed American, 0.0067%; no homozygotes.

Submission:

Labcorp Genetics (formerly Invitae), Labcorp
Classification: Uncertain significance for Leber congenital amaurosis 2; Retinitis pigmentosa 20. Last evaluated: 2024-01-06. Review status: criteria provided, single submitter. Criteria: Invitae Variant Classification Sherloc (09022015). Collection method: clinical testing. Allele origin: germline.
Comment: This sequence change replaces isoleucine, which is neutral and non-polar, with threonine, which is neutral and polar, at codon 183 of the RPE65 protein (p.Ile183Thr). This variant is present in population databases (rs188244770, gnomAD 0.02%). This variant has not been reported in the literature in individuals affected with RPE65-related conditions. Advanced modeling of protein sequence and biophysical properties (such as structural, functional, and spatial information, amino acid conservation, physicochemical variation, residue mobility, and thermodynamic stability) performed at Invitae indicates that this missense variant is not expected to disrupt RPE65 protein function with a negative predictive value of 80%. In summary, the available evidence is currently insufficient to determine the role of this variant in disease. Therefore, it has been classified as a Variant of Uncertain Significance.

NM_000329.3(RPE65):c.548T>C (p.Ile183Thr)

Gene: RPE65 (retinoid isomerohydrolase RPE65; minus strand). Cytogenetic location: 1p31.3.
Variant type: single nucleotide variant.
Coding change: c.548T>C on transcript NM_000329.3 (MANE Select); coding-DNA position 548, T replaced by C.
Protein change: p.Ile183Thr; replaces isoleucine 183 with threonine.
Molecular consequence: missense variant.
Genome position (GRCh38, 1-based): chr1:68,440,948, A>G on the plus strand (T>C on the coding strand, the complement: RPE65 is on the minus strand). VCF-style: chr1-68440948-A-G. GRCh37 (hg19) VCF-style: chr1-68906631-A-G.
Other names: c.440T>C, p.Ile147Thr (NM_001406853.1); c.272T>C, p.Ile91Thr (NM_001406856.1, NM_001406857.1); c.548T>C, p.Ile183Thr (NM_001406859.1); short protein forms I147T, I183T, I91T.
Identifiers: ClinVar variation 2928497 (VCV002928497.2), dbSNP rs188244770, ClinGen allele CA902469.